The following is an entry in ClinVar:

NM_016204.4(GDF2):c.223G>T (p.Val75Phe)

Gene: GDF2 (growth differentiation factor 2; plus strand). Cytogenetic location: 10q11.22.
Variant type: single nucleotide variant.
Coding change: c.223G>T on transcript NM_016204.4 (MANE Select); coding-DNA position 223, G replaced by T.
Protein change: p.Val75Phe; replaces valine 75 with phenylalanine.
Molecular consequence: missense variant.
Genome position (GRCh38, 1-based): chr10:47,322,891, G>T. VCF-style: chr10-47322891-G-T. GRCh37 (hg19) VCF-style: chr10-48416471-C-A.
Other names: short protein forms V75F.
Identifiers: ClinVar variation 4857910 (VCV004857910.1).

ClinVar aggregate classification (germline): Uncertain significance (1 of 4 stars; one submission).

Conditions:
Cardiovascular phenotype. Identifiers: MedGen CN230736.

Submission:

Ambry Genetics
Classification: Uncertain significance for Cardiovascular phenotype. Last evaluated: 2026-05-14. Review status: criteria provided, single submitter. Criteria: Ambry Variant Classification Scheme 2023. Collection method: clinical testing. Allele origin: germline.
Comment: The p.V75F variant (also known as c.223G>T), located in coding exon 1 of the GDF2 gene, results from a G to T substitution at nucleotide position 223. The valine at codon 75 is replaced by phenylalanine, an amino acid with highly similar properties. This amino acid position is conserved. Based on the available evidence, the clinical significance of this variant remains unclear.